The following is an entry in ClinVar:

ClinVar aggregate classification (germline): Uncertain significance. Review status: criteria provided, multiple submitters, no conflicts (2 of 4 stars). 4 submissions from 4 submitters: Uncertain significance (4). Last evaluated 2026-08-10.

Conditions:
WRN-related disorder. Also called: WRN-related condition.
Werner syndrome (WRN). Identifiers: Orphanet 902, MedGen C0043119, MONDO:0010196, OMIM 277700.

Allele frequency attached by ClinVar (database versions not stated): ExAC 0.00002; gnomAD 0.00003 and 0.00004; gnomAD exomes 0.00004; TOPMed 0.00004.
gnomAD v4.1: 139 of 1,613,562 alleles (0.0086%); highest among the groups gnomAD compares: Non-Finnish European, 0.011%; no homozygotes.

Submissions (4):

PreventionGenetics, part of Exact Sciences
Classification: Uncertain significance for WRN-related condition. Last evaluated: 2026-08-10. Review status: criteria provided, single submitter. Criteria: ACMG Guidelines, 2015. Collection method: clinical testing. Allele origin: germline.
Comment: The WRN c.1504G>C variant is predicted to result in the amino acid substitution p.Gly502Arg. To our knowledge, this variant has not been reported in the literature. This variant is reported in 0.0085% of alleles in individuals of European (Non-Finnish) descent in gnomAD and is interpreted as variant of uncertain significance in ClinVar (Variation ID: 528181). At this time, the clinical significance of this variant is uncertain due to the absence of conclusive functional and genetic evidence.

Labcorp Genetics (formerly Invitae), Labcorp
Classification: Uncertain significance for Werner syndrome. Last evaluated: 2025-11-17. Review status: criteria provided, single submitter. Criteria: Invitae Variant Classification Sherloc (09022015). Collection method: clinical testing. Allele origin: germline.
Comment: This sequence change replaces glycine, which is neutral and non-polar, with arginine, which is basic and polar, at codon 502 of the WRN protein (p.Gly502Arg). This variant is present in population databases (rs755548890, gnomAD 0.008%). This variant has not been reported in the literature in individuals affected with WRN-related conditions. ClinVar contains an entry for this variant (Variation ID: 528181). An algorithm developed to predict the effect of missense changes on protein structure and function outputs the following: PolyPhen-2: "Benign". The arginine amino acid residue is found in multiple mammalian species, which suggests that this missense change does not adversely affect protein function. In summary, the available evidence is currently insufficient to determine the role of this variant in disease. Therefore, it has been classified as a Variant of Uncertain Significance.

Center for Genomic Medicine, Rigshospitalet, Copenhagen University Hospital
Classification: Uncertain significance. Last evaluated: 2025-03-04. Review status: criteria provided, single submitter. Criteria: ACMG Guidelines, 2015. Collection method: clinical testing. Allele origin: germline.

Baylor Genetics
Classification: Uncertain significance for Werner syndrome. Last evaluated: 2020-05-13. Review status: criteria provided, single submitter. Criteria: ACMG Guidelines, 2015. Collection method: clinical testing. Allele origin: unknown. Affected: yes. Study: CSER-TexasKidsCanSeq.
Comment: This variant was determined to be of uncertain significance according to ACMG Guidelines, 2015 [PMID:25741868].

Literature cited by the submitters: PubMed 34164337 (cited by Center for Genomic Medicine, Rigshospitalet, Copenhagen University Hospital); PubMed 35085295 (cited by Center for Genomic Medicine, Rigshospitalet, Copenhagen University Hospital); PubMed 29668499 (cited by Center for Genomic Medicine, Rigshospitalet, Copenhagen University Hospital); PubMed 20657174 (cited by Center for Genomic Medicine, Rigshospitalet, Copenhagen University Hospital).

NM_000553.6(WRN):c.1504G>C (p.Gly502Arg)

Gene: WRN (WRN RecQ like helicase; plus strand). Cytogenetic location: 8p12.
Variant type: single nucleotide variant.
Coding change: c.1504G>C on transcript NM_000553.6 (MANE Select); coding-DNA position 1504, G replaced by C.
Protein change: p.Gly502Arg; replaces glycine 502 with arginine.
Molecular consequence: missense variant.
Genome position (GRCh38, 1-based): chr8:31,087,848, G>C. VCF-style: chr8-31087848-G-C. GRCh37 (hg19) VCF-style: chr8-30945364-G-C.
Other names: short protein forms G502R.
Identifiers: ClinVar variation 528181 (VCV000528181.11), dbSNP rs755548890, ClinGen allele CA4704385.